The following is an entry in ClinVar:

ClinVar aggregate classification (germline): Benign/Likely benign. Review status: criteria provided, multiple submitters, no conflicts (2 of 4 stars). 9 submissions from 9 submitters: Benign (1); Likely benign (5). 3 of the submissions do not count toward it. Last evaluated 2025-12-18.

Conditions:
Hereditary cancer-predisposing syndrome. Also called: Hereditary neoplastic syndrome; Neoplastic Syndromes, Hereditary; Tumor predisposition; Hereditary Cancer Syndrome. Identifiers: Orphanet 140162, MedGen C0027672, MeSH D009386, MONDO:0015356.
APC-related disorder. Also called: APC-related condition.
Familial adenomatous polyposis 1 (FAP1). Also called: POLYPOSIS, ADENOMATOUS INTESTINAL; FAMILIAL ADENOMATOUS POLYPOSIS 1, ATTENUATED. Identifiers: MedGen C2713442, MONDO:0021056, OMIM 175100. Disease mechanism: loss of function.
Classic or attenuated familial adenomatous polyposis. Identifiers: MedGen CN372698, MONDO:0021057.

Allele frequency attached by ClinVar (database versions not stated): gnomAD exomes below 0.00001 and 0.00001; gnomAD 0.00003; TOPMed 0.00004.
gnomAD v4.1: 18 of 1,606,910 alleles (0.0011%); highest among the groups gnomAD compares: East Asian, 0.0067%; no homozygotes.

Submissions (9):

Labcorp Genetics (formerly Invitae), Labcorp
Classification: Likely benign for Familial adenomatous polyposis 1. Last evaluated: 2025-12-18. Review status: criteria provided, single submitter. Criteria: Invitae Variant Classification Sherloc (09022015). Collection method: clinical testing. Allele origin: germline.

All of Us Research Program, National Institutes of Health
Classification: Likely benign for Classic or attenuated familial adenomatous polyposis. Last evaluated: 2023-12-13. Review status: criteria provided, single submitter. Criteria: ACMG Guidelines, 2015. Collection method: clinical testing. Allele origin: germline. Inheritance: Autosomal dominant inheritance. Observed: 5 variant alleles, 5 heterozygotes.
Comment: This study involves interpretation of variants in research participants for the purpose of population health screening. Participant phenotype was not available at the time of variant classification. Additional details can be found in publication PMID: 35346344, PMCID: PMC8962531

Myriad Genetics, Inc.
Classification: Benign for Familial adenomatous polyposis 1. Last evaluated: 2023-02-15. Review status: criteria provided, single submitter. Criteria: Myriad Autosomal Dominant, Autosomal Recessive and X-Linked Classification Criteria (2023). Collection method: clinical testing. Allele origin: unknown.
Comment: This variant is considered benign. This variant is a silent/synonymous amino acid change and it is not expected to impact splicing.

Color Diagnostics, LLC DBA Color Health
Classification: Likely benign for Hereditary cancer-predisposing syndrome. Last evaluated: 2017-01-22. Review status: criteria provided, single submitter. Criteria: ACMG Guidelines, 2015. Collection method: clinical testing. Allele origin: germline.

GeneDx
Classification: Likely benign. Last evaluated: 2016-09-06. Review status: criteria provided, single submitter. Criteria: GeneDx Variant Classification (06012015). Collection method: clinical testing. Allele origin: germline. Affected: yes.
Comment: This variant is considered likely benign or benign based on one or more of the following criteria: it is a conservative change, it occurs at a poorly conserved position in the protein, it is predicted to be benign by multiple in silico algorithms, and/or has population frequency not consistent with disease.

Ambry Genetics
Classification: Likely benign for Hereditary cancer-predisposing syndrome. Last evaluated: 2016-01-05. Review status: criteria provided, single submitter. Criteria: Ambry Variant Classification Scheme 2023. Collection method: clinical testing. Allele origin: germline.

PreventionGenetics, part of Exact Sciences
Classification: Likely benign for APC-related condition. Last evaluated: 2019-11-27. Review status: no assertion criteria provided. Collection method: clinical testing. Allele origin: germline. Not counted in ClinVar's aggregate classification.
Comment: This variant is classified as likely benign based on ACMG/AMP sequence variant interpretation guidelines (Richards et al. 2015 PMID: 25741868, with internal and published modifications).

Counsyl
Classification: Likely benign for Familial adenomatous polyposis 1. Last evaluated: 2016-05-10. Review status: no assertion criteria provided. Collection method: clinical testing. Allele origin: unknown. Not counted in ClinVar's aggregate classification.

Mayo Clinic Laboratories, Mayo Clinic
Classification: Likely benign. Review status: no assertion criteria provided. Collection method: clinical testing. Allele origin: unknown. Not counted in ClinVar's aggregate classification.

NM_000038.6(APC):c.477C>T (p.Tyr159=)

Gene: APC (APC regulator of Wnt signaling pathway; plus strand). Cytogenetic location: 5q22.2.
Variant type: single nucleotide variant.
Coding change: c.477C>T on transcript NM_000038.6 (MANE Select); coding-DNA position 477, C replaced by T.
Protein change: p.Tyr159=; no amino-acid change (tyrosine 159 retained).
Molecular consequence: synonymous variant. On other transcripts: 5 prime UTR variant (1).
Genome position (GRCh38, 1-based): chr5:112,775,683, C>T. VCF-style: chr5-112775683-C-T. GRCh37 (hg19) VCF-style: chr5-112111380-C-T.
Other names: c.477C>T, p.Tyr159= (NM_001127510.3, NM_001354895.2, NM_001354896.2 and 2 more transcripts); c.507C>T, p.Tyr169= (NM_001127511.3, NM_001354897.2, NM_001354902.2); c.402C>T, p.Tyr134= (NM_001354898.2, NM_001354904.2); c.300C>T, p.Tyr100= (NM_001354900.2, NM_001354901.2, NM_001354905.2); c.-559C>T (NM_001354906.2).
Identifiers: ClinVar variation 215564 (VCV000215564.27), dbSNP rs863224281, ClinGen allele CA337609.